The following is an entry in ClinVar:

NM_024675.4(PALB2):c.1838A>T (p.Gln613Leu)

Gene: PALB2 (partner and localizer of BRCA2; minus strand). Cytogenetic location: 16p12.2.
Variant type: single nucleotide variant.
Coding change: c.1838A>T on transcript NM_024675.4 (MANE Select); coding-DNA position 1838, A replaced by T.
Protein change: p.Gln613Leu; replaces glutamine 613 with leucine.
Molecular consequence: missense variant. On other transcripts: intron variant (1).
Genome position (GRCh38, 1-based): chr16:23,630,316, T>A on the plus strand (A>T on the coding strand, the complement: PALB2 is on the minus strand). VCF-style: chr16-23630316-T-A. GRCh37 (hg19) VCF-style: chr16-23641637-T-A.
Other names: c.1778A>T, p.Gln593Leu (NM_001407296.1); c.1838A>T, p.Gln613Leu (NM_001407297.1, NM_001407298.1, NM_001407299.1 and 3 more transcripts); c.953A>T, p.Gln318Leu (NM_001407304.1, NM_001407305.1, NM_001407306.1 and 5 more transcripts); c.50A>T, p.Gln17Leu (NM_001407312.1, NM_001407313.1); c.49-1041A>T (NM_001407314.1); short protein forms Q17L, Q318L, Q593L, Q613L.
Identifiers: ClinVar variation 3227997 (VCV003227997.3), dbSNP rs1966865170, ClinGen allele CA395127862.

ClinVar aggregate classification (germline): Conflicting classifications of pathogenicity. Review status: criteria provided, conflicting classifications (1 of 4 stars). 2 submissions from 2 submitters: Uncertain significance (1); Likely benign (1). Last evaluated 2024-03-08.

Conditions:
Familial cancer of breast. Also called: BREAST CANCER, FAMILIAL; Hereditary breast cancer; hereditary breast carcinoma. Identifiers: Orphanet 227535, MedGen C0346153, MONDO:0016419, OMIM 114480. Disease mechanism: loss of function.
Hereditary cancer-predisposing syndrome. Also called: Neoplastic Syndromes, Hereditary; Tumor predisposition; Hereditary neoplastic syndrome; Hereditary Cancer Syndrome. Identifiers: Orphanet 140162, MedGen C0027672, MeSH D009386, MONDO:0015356.

Submissions (2):

Labcorp Genetics (formerly Invitae), Labcorp
Classification: Uncertain significance for Familial cancer of breast. Last evaluated: 2024-03-08. Review status: criteria provided, single submitter. Criteria: Invitae Variant Classification Sherloc (09022015). Collection method: clinical testing. Allele origin: germline.
Comment: This sequence change replaces glutamine, which is neutral and polar, with leucine, which is neutral and non-polar, at codon 613 of the PALB2 protein (p.Gln613Leu). This variant is not present in population databases (gnomAD no frequency). This variant has not been reported in the literature in individuals affected with PALB2-related conditions. Advanced modeling of protein sequence and biophysical properties (such as structural, functional, and spatial information, amino acid conservation, physicochemical variation, residue mobility, and thermodynamic stability) performed at Invitae indicates that this missense variant is expected to disrupt PALB2 protein function with a positive predictive value of 80%. In summary, the available evidence is currently insufficient to determine the role of this variant in disease. Therefore, it has been classified as a Variant of Uncertain Significance.

Ambry Genetics
Classification: Likely benign for Hereditary cancer-predisposing syndrome. Last evaluated: 2023-12-05. Review status: criteria provided, single submitter. Criteria: Ambry Variant Classification Scheme 2023. Collection method: clinical testing. Allele origin: germline.